The following is an entry in ClinVar:

NM_032119.4(ADGRV1):c.1837C>T (p.Gln613Ter)

Gene: ADGRV1 (adhesion G protein-coupled receptor V1; plus strand). Cytogenetic location: 5q14.3.
Variant type: single nucleotide variant.
Coding change: c.1837C>T on transcript NM_032119.4 (MANE Select); coding-DNA position 1837, C replaced by T.
Protein change: p.Gln613Ter; replaces glutamine 613 with a stop codon.
Molecular consequence: nonsense. On other transcripts: non-coding transcript variant (1).
Genome position (GRCh38, 1-based): chr5:90,629,537, C>T. VCF-style: chr5-90629537-C-T. GRCh37 (hg19) VCF-style: chr5-89925354-C-T.
Other names: short protein forms Q613*.
Identifiers: ClinVar variation 2747669 (VCV002747669.3), dbSNP rs199587998, ClinGen allele CA360376773.

ClinVar aggregate classification (germline): Pathogenic (1 of 4 stars; one submission).

gnomAD v4.1: 1 of 1,598,376 alleles (0.000063%); highest among the groups gnomAD compares: Non-Finnish European, 0.000085%; no homozygotes.

Submission:

Labcorp Genetics (formerly Invitae), Labcorp
Classification: Pathogenic. Last evaluated: 2023-07-28. Review status: criteria provided, single submitter. Criteria: Invitae Variant Classification Sherloc (09022015). Collection method: clinical testing. Allele origin: germline.
Comment: This variant is not present in population databases (gnomAD no frequency). This sequence change creates a premature translational stop signal (p.Gln613*) in the ADGRV1 gene. It is expected to result in an absent or disrupted protein product. Loss-of-function variants in ADGRV1 are known to be pathogenic (PMID: 19357117, 22135276, 22147658, 26226137, 30718709, 31047384, 32467589). Algorithms developed to predict the effect of sequence changes on RNA splicing suggest that this variant may disrupt the consensus splice site. For these reasons, this variant has been classified as Pathogenic. This variant has not been reported in the literature in individuals affected with ADGRV1-related conditions.

Literature cited by the submitters: PubMed 19357117; PubMed 22135276; PubMed 22147658; PubMed 26226137; PubMed 30718709; PubMed 31047384; PubMed 32467589.